The following is an entry in ClinVar:

ClinVar aggregate classification (germline): Pathogenic/Likely pathogenic. Review status: criteria provided, multiple submitters, no conflicts (2 of 4 stars). 4 submissions from 4 submitters: Pathogenic (3); Likely pathogenic (1). Last evaluated 2024-05-14.

Conditions:
Hereditary spastic paraplegia 4. Also called: Spastic paraplegia 4, autosomal dominant; Spastic Paraplegia 4; Familial spastic paraplegia autosomal dominant 2. Identifiers: Orphanet 100985, MedGen C1866855, MONDO:0008438, OMIM 182601.

Submissions (4):

Athena Diagnostics
Classification: Pathogenic. Last evaluated: 2024-05-14. Review status: criteria provided, single submitter. Criteria: Athena Diagnostics Criteria. Collection method: clinical testing. Allele origin: unknown.
Comment: This variant is expected to result in the loss of a functional protein. This variant has not been reported in large, multi-ethnic general populations. This variant has been identified in at least one individual with clinical features associated with this gene.

Institute of Human Genetics, University of Leipzig Medical Center
Classification: Likely pathogenic for Hereditary spastic paraplegia 4. Last evaluated: 2018-05-28. Review status: criteria provided, single submitter. Criteria: ACMG Guidelines, 2015. Collection method: clinical testing. Allele origin: germline. Affected: yes. Observed: 1 variant allele.

Labcorp Genetics (formerly Invitae), Labcorp
Classification: Pathogenic for Hereditary spastic paraplegia 4. Last evaluated: 2015-08-13. Review status: criteria provided, single submitter. Criteria: Invitae Variant Classification Sherloc (09022015). Collection method: clinical testing. Allele origin: germline.
Comment: This sequence change deletes two nucleotides from exon 12 of the SPAST mRNA (c.1437_1438delAG), causing a frameshift at codon 479. This creates a premature translational stop signal (p.Arg479Serfs*8) and is expected to result in an absent or disrupted protein product. For these reasons, this variant has been classified as Pathogenic. Truncating variants in SPAST are known to be pathogenic. This particular truncation has been reported in a patient with hereditary spastic paraplegia (PMID: 12124993).

Paris Brain Institute, Inserm - ICM
Classification: Pathogenic for Hereditary spastic paraplegia 4. Review status: criteria provided, single submitter. Criteria: ACMG Guidelines, 2015. Collection method: clinical testing. Allele origin: unknown. Affected: yes. Observed: 1 variant allele.

Literature cited by the submitters: PubMed 12124993 (cited by Athena Diagnostics and Labcorp Genetics (formerly Invitae), Labcorp).

NM_014946.4(SPAST):c.1437_1438del (p.Arg479fs)

Gene: SPAST (spastin; plus strand). Cytogenetic location: 2p22.3.
Variant type: Microsatellite.
Coding change: c.1437_1438del on transcript NM_014946.4 (MANE Select); coding-DNA positions 1437 to 1438, 2 bases deleted (AG; older notation c.1437_1438delAG).
Protein change: p.Arg479fs; shifts the reading frame from arginine 479.
Molecular consequence: frameshift variant.
Genome position (GRCh38, 1-based): chr2:32,137,132-32,137,133, AG deleted; deleting any 2 consecutive bases within chr2:32,137,130-32,137,133 gives the same sequence; the c. name uses the placement nearest the transcript's 3' end. VCF-style (leftmost placement, unchanged base first): chr2-32137129-CAG-C. GRCh37 (hg19) VCF-style: chr2-32362198-CAG-C.
Other names: c.1434_1435del, p.Arg478fs (NM_001363823.2); c.1338_1339del, p.Arg446fs (NM_001363875.2); c.1341_1342del, p.Arg447fs (NM_001377959.1, NM_199436.2); c.1437_1438delAG (NM_014946.3); short protein forms R478fs, R479fs, R446fs, R447fs.
Identifiers: ClinVar variation 219826 (VCV000219826.11), dbSNP rs864622268, ClinGen allele CA348291.